The following is an entry in ClinVar:

ClinVar aggregate classification (germline): Uncertain significance (1 of 4 stars; one submission).

Submission:

Labcorp Genetics (formerly Invitae), Labcorp
Classification: Uncertain significance. Last evaluated: 2024-04-05. Review status: criteria provided, single submitter. Criteria: Invitae Variant Classification Sherloc (09022015). Collection method: clinical testing. Allele origin: germline.
Comment: This sequence change falls in intron 16 of the OPHN1 gene. It does not directly change the encoded amino acid sequence of the OPHN1 protein. It affects a nucleotide within the consensus splice site. This variant is not present in population databases (gnomAD no frequency). This variant has not been reported in the literature in individuals affected with OPHN1-related conditions. Variants that disrupt the consensus splice site are a relatively common cause of aberrant splicing (PMID: 17576681, 9536098). Algorithms developed to predict the effect of sequence changes on RNA splicing suggest that this variant is not likely to affect RNA splicing. In summary, the available evidence is currently insufficient to determine the role of this variant in disease. Therefore, it has been classified as a Variant of Uncertain Significance.

Literature cited by the submitters: PubMed 17576681; PubMed 9536098.

NM_002547.3(OPHN1):c.1361+4T>A

Gene: OPHN1 (oligophrenin 1; minus strand). Cytogenetic location: Xq12.
Variant type: single nucleotide variant.
Coding change: c.1361+4T>A on transcript NM_002547.3 (MANE Select); 4 bases into the intron after coding-DNA position 1361, T replaced by A.
Molecular consequence: intron variant.
Genome position (GRCh38, 1-based): chrX:68,119,244, A>T on the plus strand (T>A on the coding strand, the complement: OPHN1 is on the minus strand). VCF-style: chrX-68119244-A-T. GRCh37 (hg19) VCF-style: chrX-67339086-A-T.
Identifiers: ClinVar variation 2766988 (VCV002766988.3), dbSNP rs2519704539, ClinGen allele CA2697553133.
Genomic context (GRCh38, chrX:68,119,244, plus strand): 5'-GCTCAACACCCAGAGAAATTTCACCAGCTATGAAAAGCAAACTCCCAATTCAAATCAGGC[A>T]TACCTGAGGTAGAATTTCAAGGAGCTGGTGATTGTCTTAATGTCCCAGTCACTATTATGA-3'